The following is an entry in ClinVar:

ClinVar aggregate classification (germline): Likely benign (0 of 4 stars; one submission).

Conditions:
SEMA3D-related disorder. Also called: SEMA3D-related condition.

Submission:

PreventionGenetics, part of Exact Sciences
Classification: Likely benign for SEMA3D-related condition. Last evaluated: 2024-04-18. Review status: no assertion criteria provided. Collection method: clinical testing. Allele origin: germline.
Comment: This variant is classified as likely benign based on ACMG/AMP sequence variant interpretation guidelines (Richards et al. 2015 PMID: 25741868, with internal and published modifications).

NM_001384900.1(SEMA3D):c.1827C>T (p.Thr609=)

Gene: SEMA3D (semaphorin 3D; minus strand). Cytogenetic location: 7q21.11.
Variant type: single nucleotide variant.
Coding change: c.1827C>T on transcript NM_001384900.1 (MANE Select); coding-DNA position 1827, C replaced by T.
Protein change: p.Thr609=; no amino-acid change (threonine 609 retained).
Molecular consequence: synonymous variant.
Genome position (GRCh38, 1-based): chr7:85,006,883, G>A on the plus strand (C>T on the coding strand, the complement: SEMA3D is on the minus strand). VCF-style: chr7-85006883-G-A. GRCh37 (hg19) VCF-style: chr7-84636199-G-A.
Other names: c.1827C>T, p.Thr609= (NM_001384901.1, NM_001384902.1, NM_001384903.1 and 1 more transcripts).
Identifiers: ClinVar variation 3349553 (VCV003349553.1).